The following is an entry in ClinVar:

NM_133379.5(TTN):c.12997dup (p.Ile4333fs)

Gene: TTN (titin; minus strand). Cytogenetic location: 2q31.2.
Variant type: Duplication.
Coding change: c.12997dup on transcript NM_133379.5 (MANE Plus Clinical); coding-DNA position 12997, one base duplicated (A; older notation c.12997dupA).
Protein change: p.Ile4333fs; shifts the reading frame from isoleucine 4333.
Molecular consequence: frameshift variant. On other transcripts: intron variant (6).
Genome position (GRCh38, 1-based): chr2:178,749,403, T duplicated on the plus strand (A on the coding strand, the reverse complement: TTN is on the minus strand); the first of 6 consecutive T bases (chr2:178,749,403-178,749,408); duplicating any one gives the same sequence. VCF-style (leftmost placement, unchanged base first): chr2-178749402-A-AT. GRCh37 (hg19) VCF-style: chr2-179614129-A-AT.
Other names: NM_133379.3:c.12997dupA; p.Ile4333AsnfsX21; c.10222+3716dup (NM_003319.4); c.10798+3716dup (NM_133437.4); c.10597+3716dup (NM_133432.3); c.10360+3716dup (NM_133378.4, NM_001256850.1); c.11311+3716dup (NM_001267550.2); short protein forms I4333fs.
Identifiers: ClinVar variation 47746 (VCV000047746.5), dbSNP rs397517806, ClinGen allele CA141819.

ClinVar aggregate classification (germline): Uncertain significance (1 of 4 stars; one submission).

Submission:

Laboratory for Molecular Medicine, Mass General Brigham Personalized Medicine
Classification: Uncertain significance. Last evaluated: 2012-09-19. Review status: criteria provided, single submitter. Criteria: LMM Criteria. Collection method: clinical testing. Allele origin: germline. Observed: 1 variant allele.
Comment: The Ile4333fs variant in TTN has not been reported in the literature nor previou sly identified by our laboratory. This frameshift variant is predicted to alter the protein?s amino acid sequence beginning at position 4333 and lead to a prema ture termination codon 21 amino acids downstream. Heterozygous loss of function of the TTN gene is strongly associated with DCM (Herman 2012); however, this var iant is located in an exon that is only present in a transcript (Novex-3) whose function is unclear. Additional information is needed to fully assess the clinic al significance of this variant.